The following is an entry in ClinVar:

ClinVar aggregate classification (germline): Pathogenic (1 of 4 stars; one submission).

Conditions:
Tuberous sclerosis 2 (TSC2). Identifiers: Orphanet 805, MedGen C1860707, MONDO:0013199, OMIM 613254.

Submission:

Labcorp Genetics (formerly Invitae), Labcorp
Classification: Pathogenic for Tuberous sclerosis 2. Last evaluated: 2021-04-22. Review status: criteria provided, single submitter. Criteria: Invitae Variant Classification Sherloc (09022015). Collection method: clinical testing. Allele origin: germline.
Comment: For these reasons, this variant has been classified as Pathogenic. This variant has been observed in individual(s) with clinical features of tuberous sclerosis complex (Invitae). In at least one individual the variant was observed to be de novo. This variant results in a copy number gain of the genomic region encompassing exon(s) 11-36 of the TSC2 gene. While the exact position of this variant cannot be determined from the data, sub-genic copy number gains are generally in tandem (PMID: 25640679). This variant is predicted to be in-frame, and likely preserves the integrity of the reading frame.

Literature cited by the submitters: PubMed 25640679.

NC_000016.9:g.(?_2110651)_(2135343_?)dup

Gene: TSC2 (TSC complex subunit 2; plus strand). Cytogenetic location: 16p13.3.
Variant type: Duplication.
Identifiers: ClinVar variation 1458969 (VCV001458969.6).